The following is an entry in ClinVar:

ClinVar aggregate classification (germline): Benign/Likely benign. Review status: criteria provided, multiple submitters, no conflicts (2 of 4 stars). 2 submissions from 2 submitters: Benign (1); Likely benign (1). Last evaluated 2026-01-12.

Conditions:
Arthrogryposis, distal, type 1A. Also called: ARTHROGRYPOSIS MULTIPLEX CONGENITA, DISTAL, TYPE I. Identifiers: Orphanet 1146, MedGen C6022280, MONDO:0007157, OMIM 108120.

Allele frequency attached by ClinVar (database versions not stated): gnomAD exomes 0.00006 and 0.00020; ExAC 0.00026; gnomAD 0.00099 and 0.00090; TOPMed 0.00056; 1000 Genomes Project 30x 0.00031.

Submissions (2):

Labcorp Genetics (formerly Invitae), Labcorp
Classification: Benign for Arthrogryposis, distal, type 1A. Last evaluated: 2026-01-12. Review status: criteria provided, single submitter. Criteria: Invitae Variant Classification Sherloc (09022015). Collection method: clinical testing. Allele origin: germline.

GeneDx
Classification: Likely benign. Last evaluated: 2016-05-23. Review status: criteria provided, single submitter. Criteria: GeneDx Variant Classification (06012015). Collection method: clinical testing. Allele origin: germline. Affected: yes.
Comment: This variant is considered likely benign or benign based on one or more of the following criteria: it is a conservative change, it occurs at a poorly conserved position in the protein, it is predicted to be benign by multiple in silico algorithms, and/or has population frequency not consistent with disease.

NM_003289.4(TPM2):c.564-18dup

Gene: TPM2 (tropomyosin 2; minus strand). Cytogenetic location: 9p13.3.
Variant type: Duplication.
Coding change: c.564-18dup on transcript NM_003289.4 (MANE Select); 18 bases into the intron before coding-DNA position 564, one base duplicated (G; older notation c.564-18dupG).
Molecular consequence: intron variant.
Genome position (GRCh38, 1-based): chr9:35,684,825, C duplicated on the plus strand (G on the coding strand, the reverse complement: TPM2 is on the minus strand). VCF-style (leftmost placement, unchanged base first): chr9-35684824-G-GC. GRCh37 (hg19) VCF-style: chr9-35684821-G-GC.
Other names: c.564-18dupG (NM_003289.3); c.639+239dup (NM_213674.1, NM_001301227.2); c.564-18dup (NM_001301226.2).
Identifiers: ClinVar variation 421060 (VCV000421060.10), dbSNP rs776086128, ClinGen allele CA5047248.